The following is an entry in ClinVar:

ClinVar aggregate classification (germline): Uncertain significance (1 of 4 stars; one submission).

Conditions:
Hypertrophic cardiomyopathy. Also called: HYPERTROPHIC MYOCARDIOPATHY. Identifiers: Orphanet 217569, MedGen C0007194, MeSH D002312, MONDO:0005045, HP:0001639.

Submission:

Labcorp Genetics (formerly Invitae), Labcorp
Classification: Uncertain significance for Hypertrophic cardiomyopathy. Last evaluated: 2024-05-01. Review status: criteria provided, single submitter. Criteria: Invitae Variant Classification Sherloc (09022015). Collection method: clinical testing. Allele origin: germline.
Comment: This sequence change replaces lysine, which is basic and polar, with asparagine, which is neutral and polar, at codon 177 of the TNNI3 protein (p.Lys177Asn). This variant is not present in population databases (gnomAD no frequency). This missense change has been observed in individual(s) with hypertrophic cardiomyopathy (PMID: 30847666). An algorithm developed to predict the effect of missense changes on protein structure and function (PolyPhen-2) suggests that this variant is likely to be disruptive. In summary, the available evidence is currently insufficient to determine the role of this variant in disease. Therefore, it has been classified as a Variant of Uncertain Significance.

Literature cited by the submitters: PubMed 30847666.

NM_000363.5(TNNI3):c.531G>T (p.Lys177Asn)

Gene: TNNI3 (troponin I3, cardiac type; minus strand). Cytogenetic location: 19q13.42.
Variant type: single nucleotide variant.
Coding change: c.531G>T on transcript NM_000363.5 (MANE Select); coding-DNA position 531, G replaced by T.
Protein change: p.Lys177Asn; replaces lysine 177 with asparagine.
Molecular consequence: missense variant.
Genome position (GRCh38, 1-based): chr19:55,154,048, C>A on the plus strand (G>T on the coding strand, the complement: TNNI3 is on the minus strand). VCF-style: chr19-55154048-C-A. GRCh37 (hg19) VCF-style: chr19-55665416-C-A.
Other names: short protein forms K177N.
Identifiers: ClinVar variation 2982420 (VCV002982420.3), dbSNP rs2515498253, ClinGen allele CA407440256.
Genomic context (GRCh38, chr19:55,154,048, plus strand): 5'-TTCCCCTCAGCATCCTCTTTCCTGGCCTTAGCCCACACTCACCTTCTCGGTGTCCTCCTT[C>A]TTCACCTGCTTGAGGTGGGCCCGCAGGTCCAGGGACTCCTTAGCCCGGGCCCCCAGCAGC-3'
Protein context (NP_000354.4, residues 167-187): LDLRAHLKQV[Lys177Asn]KEDTEKENRE